The following is an entry in ClinVar:

ClinVar aggregate classification (germline): Uncertain significance. Review status: criteria provided, multiple submitters, no conflicts (2 of 4 stars). 3 submissions from 3 submitters: Uncertain significance (3). Last evaluated 2025-05-05.

Conditions:
Inborn genetic diseases. Identifiers: MedGen C0950123, MeSH D030342.
Hereditary spastic paraplegia 64. Also called: Spastic paraplegia 64, autosomal recessive; ENTPD1-Related Neurodevelopmental Disorder. Identifiers: Orphanet 401810, MedGen C3810289, MONDO:0014303, OMIM 615683.

Allele frequency attached by ClinVar (database versions not stated): gnomAD below 0.00001 and 0.00001; TOPMed 0.00001; gnomAD exomes 0.00006 and 0.00010; ExAC 0.00012.
gnomAD v4.1: 85 of 1,614,082 alleles (0.0053%); highest among the groups gnomAD compares: South Asian, 0.088%; 1 homozygote.

Submissions (3):

Labcorp Genetics (formerly Invitae), Labcorp
Classification: Uncertain significance for Hereditary spastic paraplegia 64. Last evaluated: 2025-05-05. Review status: criteria provided, single submitter. Criteria: Invitae Variant Classification Sherloc (09022015). Collection method: clinical testing. Allele origin: germline.
Comment: This sequence change replaces threonine, which is neutral and polar, with asparagine, which is neutral and polar, at codon 208 of the ENTPD1 protein (p.Thr208Asn). This variant is present in population databases (rs776491594, gnomAD 0.08%). This variant has not been reported in the literature in individuals affected with ENTPD1-related conditions. ClinVar contains an entry for this variant (Variation ID: 638354). Invitae Evidence Modeling of protein sequence and biophysical properties (such as structural, functional, and spatial information, amino acid conservation, physicochemical variation, residue mobility, and thermodynamic stability) indicates that this missense variant is not expected to disrupt ENTPD1 protein function with a negative predictive value of 80%. In summary, the available evidence is currently insufficient to determine the role of this variant in disease. Therefore, it has been classified as a Variant of Uncertain Significance.

Ambry Genetics
Classification: Uncertain significance for Inborn genetic diseases. Last evaluated: 2022-02-10. Review status: criteria provided, single submitter. Criteria: Ambry Variant Classification Scheme 2023. Collection method: clinical testing. Allele origin: germline.

Genomic Research Center, Shahid Beheshti University of Medical Sciences
Classification: Uncertain significance for Spastic paraplegia 64, autosomal recessive. Last evaluated: 2019-04-27. Review status: criteria provided, single submitter. Criteria: ACMG Guidelines, 2015. Collection method: clinical testing. Allele origin: inherited. Affected: yes.

NM_001776.6(ENTPD1):c.623C>A (p.Thr208Asn)

Genes: ENTPD1 (ectonucleoside triphosphate diphosphohydrolase 1; plus strand), ENTPD1-AS1 (ENTPD1 antisense RNA 1; minus strand). Cytogenetic location: 10q24.1.
Variant type: single nucleotide variant.
Coding change: c.623C>A on transcript NM_001776.6 (MANE Select); coding-DNA position 623, C replaced by A.
Protein change: p.Thr208Asn; replaces threonine 208 with asparagine.
Molecular consequence: missense variant.
Genome position (GRCh38, 1-based): chr10:95,845,406, C>A. VCF-style: chr10-95845406-C-A. GRCh37 (hg19) VCF-style: chr10-97605163-C-A.
Other names: c.644C>A, p.Thr215Asn (NM_001098175.2); c.659C>A, p.Thr220Asn (NM_001164178.1, NM_001320916.1); c.623C>A, p.Thr208Asn (NM_001164179.2); c.299C>A, p.Thr100Asn (NM_001164181.1, NM_001312654.1); c.209C>A, p.Thr70Asn (NM_001164182.2, NM_001164183.2); short protein forms T208N, T215N, T100N, T220N, T70N.
Identifiers: ClinVar variation 638354 (VCV000638354.8), dbSNP rs776491594, ClinGen allele CA5621443.